The following is an entry in ClinVar:

NM_182493.3(MYLK3):c.99C>G (p.Asn33Lys)

Gene: MYLK3 (myosin light chain kinase 3; minus strand). Cytogenetic location: 16q11.2.
Variant type: single nucleotide variant.
Coding change: c.99C>G on transcript NM_182493.3 (MANE Select); coding-DNA position 99, C replaced by G.
Protein change: p.Asn33Lys; replaces asparagine 33 with lysine.
Molecular consequence: missense variant. On other transcripts: intron variant (1).
Genome position (GRCh38, 1-based): chr16:46,748,095, G>C on the plus strand (C>G on the coding strand, the complement: MYLK3 is on the minus strand). VCF-style: chr16-46748095-G-C. GRCh37 (hg19) VCF-style: chr16-46782007-G-C.
Other names: c.-113-7948C>G (NM_001308301.1); short protein forms N33K.
Identifiers: ClinVar variation 3653605 (VCV003653605.2).

ClinVar aggregate classification (germline): Uncertain significance (1 of 4 stars; one submission).

gnomAD v4.1: 4 of 1,614,224 alleles (0.00025%); highest among the groups gnomAD compares: East Asian, 0.0089%; no homozygotes.

Submission:

Labcorp Genetics (formerly Invitae), Labcorp
Classification: Uncertain significance. Last evaluated: 2024-05-21. Review status: criteria provided, single submitter. Criteria: Invitae Variant Classification Sherloc (09022015). Collection method: clinical testing. Allele origin: germline.
Comment: This sequence change replaces asparagine, which is neutral and polar, with lysine, which is basic and polar, at codon 33 of the MYLK3 protein (p.Asn33Lys). This variant is not present in population databases (gnomAD no frequency). This variant has not been reported in the literature in individuals affected with MYLK3-related conditions. An algorithm developed to predict the effect of missense changes on protein structure and function (PolyPhen-2) suggests that this variant is likely to be disruptive. In summary, the available evidence is currently insufficient to determine the role of this variant in disease. Therefore, it has been classified as a Variant of Uncertain Significance.